The following is an entry in ClinVar:

ClinVar aggregate classification (germline): Pathogenic (1 of 4 stars; one submission).

Submission:

Labcorp Genetics (formerly Invitae), Labcorp
Classification: Pathogenic. Last evaluated: 2025-10-05. Review status: criteria provided, single submitter. Criteria: Invitae Variant Classification Sherloc (09022015). Collection method: clinical testing. Allele origin: germline.
Comment: This sequence change creates a premature translational stop signal (p.Ser614Asnfs*12) in the C6 gene. It is expected to result in an absent or disrupted protein product. Loss-of-function variants in C6 are known to be pathogenic (PMID: 17257682). This variant is not present in population databases (gnomAD no frequency). This variant has not been reported in the literature in individuals affected with C6-related conditions. For these reasons, this variant has been classified as Pathogenic.

Literature cited by the submitters: PubMed 17257682.

NM_000065.5(C6):c.1839_1840del (p.Ser614fs)

Gene: C6 (complement C6; minus strand). Cytogenetic location: 5p13.1.
Variant type: Deletion.
Coding change: c.1839_1840del on transcript NM_000065.5 (MANE Select); coding-DNA positions 1839 to 1840, 2 bases deleted (TT; older notation c.1839_1840delTT).
Protein change: p.Ser614fs; shifts the reading frame from serine 614.
Molecular consequence: frameshift variant.
Genome position (GRCh38, 1-based): chr5:41,159,098-41,159,099, AA deleted on the plus strand (TT on the coding strand, the reverse complement: C6 is on the minus strand); deleting any 2 consecutive bases within chr5:41,159,098-41,159,101 gives the same sequence; the c. name uses the placement nearest the transcript's 3' end. VCF-style (leftmost placement, unchanged base first): chr5-41159097-GAA-G. GRCh37 (hg19) VCF-style: chr5-41159199-GAA-G.
Other names: c.1839_1840del, p.Ser614fs (NM_001115131.4); short protein forms S614fs.
Identifiers: ClinVar variation 4697706 (VCV004697706.1).